The following is an entry in ClinVar:

ClinVar aggregate classification (germline): Uncertain significance (1 of 4 stars; one submission).

Conditions:
Hereditary spastic paraplegia 4. Also called: Spastic paraplegia 4, autosomal dominant; Spastic Paraplegia 4; Familial spastic paraplegia autosomal dominant 2. Identifiers: Orphanet 100985, MedGen C1866855, MONDO:0008438, OMIM 182601.

Submission:

Labcorp Genetics (formerly Invitae), Labcorp
Classification: Uncertain significance for Hereditary spastic paraplegia 4. Last evaluated: 2025-03-18. Review status: criteria provided, single submitter. Criteria: Invitae Variant Classification Sherloc (09022015). Collection method: clinical testing. Allele origin: germline.
Comment: This sequence change replaces alanine, which is neutral and non-polar, with proline, which is neutral and non-polar, at codon 485 of the SPAST protein (p.Ala485Pro). This variant is not present in population databases (gnomAD no frequency). This missense change has been observed in individual(s) with hereditary spastic paraplegia (internal data). Invitae Evidence Modeling of protein sequence and biophysical properties (such as structural, functional, and spatial information, amino acid conservation, physicochemical variation, residue mobility, and thermodynamic stability) indicates that this missense variant is expected to disrupt SPAST protein function with a positive predictive value of 80%. This variant disrupts the p.Ala485 amino acid residue in SPAST. Other variant(s) that disrupt this residue have been observed in individuals with SPAST-related conditions (PMID: 12460147, 28572275), which suggests that this may be a clinically significant amino acid residue. In summary, the available evidence is currently insufficient to determine the role of this variant in disease. Therefore, it has been classified as a Variant of Uncertain Significance.

Literature cited by the submitters: PubMed 12460147; PubMed 28572275.

NM_014946.4(SPAST):c.1453G>C (p.Ala485Pro)

Gene: SPAST (spastin; plus strand). Cytogenetic location: 2p22.3.
Variant type: single nucleotide variant.
Coding change: c.1453G>C on transcript NM_014946.4 (MANE Select); coding-DNA position 1453, G replaced by C.
Protein change: p.Ala485Pro; replaces alanine 485 with proline.
Molecular consequence: missense variant.
Genome position (GRCh38, 1-based): chr2:32,137,148, G>C. VCF-style: chr2-32137148-G-C. GRCh37 (hg19) VCF-style: chr2-32362217-G-C.
Other names: c.1450G>C, p.Ala484Pro (NM_001363823.2); c.1354G>C, p.Ala452Pro (NM_001363875.2); c.1357G>C, p.Ala453Pro (NM_001377959.1, NM_199436.2); short protein forms A484P, A485P, A453P, A452P.
Identifiers: ClinVar variation 3714424 (VCV003714424.2).